The following is an entry in ClinVar:

NM_001370658.1(BTD):c.1280A>G (p.His427Arg)

Gene: BTD (biotinidase; plus strand). Cytogenetic location: 3p25.1.
Variant type: single nucleotide variant.
Coding change: c.1280A>G on transcript NM_001370658.1 (MANE Select); coding-DNA position 1280, A replaced by G.
Protein change: p.His427Arg; replaces histidine 427 with arginine.
Molecular consequence: missense variant. On other transcripts: intron variant (8).
Genome position (GRCh38, 1-based): chr3:15,645,196, A>G. VCF-style: chr3-15645196-A-G. GRCh37 (hg19) VCF-style: chr3-15686703-A-G.
Other names: c.1280A>G, p.His427Arg (NM_001407376.1, NM_001407377.1, NM_001407378.1 and 16 more transcripts); c.1015+265A>G (NM_001370752.1, NM_001407379.1); c.399+3139A>G (NM_001370753.1, NM_001407400.1, NM_001407380.1 and 3 more transcripts); short protein forms H427R.
Identifiers: ClinVar variation 3375143 (VCV003375143.1).

ClinVar aggregate classification (germline): Likely pathogenic (1 of 4 stars; one submission).

Conditions:
Biotinidase deficiency. Also called: BTD deficiency; Late-onset biotin-responsive multiple carboxylase deficiency; Biotin deficiency. Identifiers: Orphanet 79241, MedGen C0220754, MONDO:0009665, OMIM 253260.

gnomAD v4.1: 1 of 1,614,178 alleles (0.000062%); highest among the groups gnomAD compares: East Asian, 0.0022%; no homozygotes.

Submission:

Women's Health and Genetics/Laboratory Corporation of America, LabCorp
Classification: Likely pathogenic for Biotinidase deficiency. Last evaluated: 2024-09-27. Review status: criteria provided, single submitter. Criteria: LabCorp Variant Classification Summary - May 2015. Collection method: clinical testing. Allele origin: germline.
Comment: Variant summary: BTD c.1280A>G (p.His427Arg), also reported as H447R, results in a non-conservative amino acid change located in the Vanin, C-terminal domain (IPR043957) of the encoded protein sequence. Five of five in-silico tools predict a damaging effect of the variant on protein function. The variant was absent in 251440 control chromosomes. c.1280A>G has been reported in the literature in the presumed compound heterozygous state in at least 1 individual affected with partial Biotinidase Deficiency (example, Seker Yilmaz_2018). At least one publication reports experimental evidence evaluating an impact on protein function. The most pronounced variant effect results in 10%-<30% of normal activity in patient cells in the presence of the common pathogenic variant p.Asp444His (example, Tanyalcin_2016, Seker Yilmaz_2018). A different variant affecting the same codon has been reported as pathogenic in ClinVar (c.1279C>T, p.His427Tyr), supporting the critical relevance of codon 427 to BTD protein function. The following publications have been ascertained in the context of this evaluation (PMID: 29353266, 27760515). No submitters have cited clinical-significance assessments for this variant to ClinVar. Based on the evidence outlined above, the variant was classified as likely pathogenic.

Literature cited by the submitters: PubMed 29353266; PubMed 27760515.